The following is an entry in ClinVar:

NM_001347721.2(DYRK1A):c.630C>A (p.Tyr210Ter)

Gene: DYRK1A (dual specificity tyrosine phosphorylation regulated kinase 1A; plus strand). Cytogenetic location: 21q22.13.
Variant type: single nucleotide variant.
Coding change: c.630C>A on transcript NM_001347721.2 (MANE Select); coding-DNA position 630, C replaced by A.
Protein change: p.Tyr210Ter; replaces tyrosine 210 with a stop codon.
Molecular consequence: nonsense.
Genome position (GRCh38, 1-based): chr21:37,486,607, C>A. VCF-style: chr21-37486607-C-A. GRCh37 (hg19) VCF-style: chr21-38858909-C-A.
Other names: c.630C>A, p.Tyr210Ter (NM_001347722.2, NM_130436.2); c.543C>A, p.Tyr181Ter (NM_001347723.2); c.657C>A, p.Tyr219Ter (NM_001396.5, NM_101395.2, NM_130438.2); short protein forms Y219*, Y181*, Y210*.
Identifiers: ClinVar variation 265592 (VCV000265592.7), dbSNP rs746177928, ClinGen allele CA10588709.

ClinVar aggregate classification (germline): Pathogenic. Review status: criteria provided, multiple submitters, no conflicts (2 of 4 stars). 2 submissions from 2 submitters: Pathogenic (2). Last evaluated 2023-04-23.

Conditions:
Complex neurodevelopmental disorder. Identifiers: Orphanet 528084, MedGen C5568766, MONDO:0100038.
DYRK1A-related intellectual disability syndrome (MRD7). Also called: Intellectual developmental disorder, autosomal dominant 7; DYRK1A Syndrome. Identifiers: Orphanet 464306, MedGen C5568143, MONDO:0013578, OMIM 614104.

Submissions (2):

Labcorp Genetics (formerly Invitae), Labcorp
Classification: Pathogenic for DYRK1A-related intellectual disability syndrome. Last evaluated: 2023-04-23. Review status: criteria provided, single submitter. Criteria: Invitae Variant Classification Sherloc (09022015). Collection method: clinical testing. Allele origin: germline.
Comment: For these reasons, this variant has been classified as Pathogenic. ClinVar contains an entry for this variant (Variation ID: 265592). This variant has not been reported in the literature in individuals affected with DYRK1A-related conditions. This variant is not present in population databases (gnomAD no frequency). This sequence change creates a premature translational stop signal (p.Tyr219*) in the DYRK1A gene. It is expected to result in an absent or disrupted protein product. Loss-of-function variants in DYRK1A are known to be pathogenic (PMID: 25944381).

GeneDx
Classification: Pathogenic. Last evaluated: 2016-06-06. Review status: criteria provided, single submitter. Criteria: GeneDx Variant Classification (06012015). Collection method: clinical testing. Allele origin: germline. Affected: yes.
Comment: The Y219X pathogenic variant in the DYRK1A gene has not been reported previously as a pathogenic variant nor as a benign variant, to our knowledge. This variant is predicted to cause loss of normal protein function either through protein truncation or nonsense-mediated mRNA decay. The Y219X variant was not observed in approximately 6500 individuals of European and African American ancestry in the NHLBI Exome Sequencing Project, indicating it is not a common benign variant in these populations. We interpret Y219X as a pathogenic variant.

Literature cited by the submitters: PubMed 25944381 (cited by Labcorp Genetics (formerly Invitae), Labcorp).